The following is an entry in ClinVar:

ClinVar aggregate classification (germline): Likely benign (0 of 4 stars; one submission).

Conditions:
F13A1-related disorder. Also called: F13A1-related condition.

Allele frequency attached by ClinVar (database versions not stated): gnomAD exomes 0.00002; ExAC 0.00012; 1000 Genomes Project 0.00020; TOPMed 0.00031; gnomAD 0.00034; ESP Exome Variant Server 0.00038; 1000 Genomes Project 30x 0.00047.
gnomAD v4.1: 84 of 1,614,042 alleles (0.0052%); highest among the groups gnomAD compares: African/African-American, 0.11%; no homozygotes.

Submission:

PreventionGenetics, part of Exact Sciences
Classification: Likely benign for F13A1-related condition. Last evaluated: 2019-11-18. Review status: no assertion criteria provided. Collection method: clinical testing. Allele origin: germline.
Comment: This variant is classified as likely benign based on ACMG/AMP sequence variant interpretation guidelines (Richards et al. 2015 PMID: 25741868, with internal and published modifications).

NM_000129.4(F13A1):c.1833T>C (p.Ala611=)

Gene: F13A1 (coagulation factor XIII A chain; minus strand). Cytogenetic location: 6p25.1.
Variant type: single nucleotide variant.
Coding change: c.1833T>C on transcript NM_000129.4 (MANE Select); coding-DNA position 1833, T replaced by C.
Protein change: p.Ala611=; no amino-acid change (alanine 611 retained).
Molecular consequence: synonymous variant.
Genome position (GRCh38, 1-based): chr6:6,167,533, A>G on the plus strand (T>C on the coding strand, the complement: F13A1 is on the minus strand). VCF-style: chr6-6167533-A-G. GRCh37 (hg19) VCF-style: chr6-6167766-A-G.
Identifiers: ClinVar variation 3048225 (VCV003048225.2), dbSNP rs143769071, ClinGen allele CA3624228.